The following is an entry in ClinVar:

NM_005499.3(UBA2):c.1541_1542delinsAG (p.Gly514Glu)

Gene: UBA2 (ubiquitin like modifier activating enzyme 2; plus strand). Cytogenetic location: 19q13.11.
Variant type: Indel.
Coding change: c.1541_1542delinsAG on transcript NM_005499.3 (MANE Select); coding-DNA positions 1541 to 1542, GC replaced by AG.
Protein change: p.Gly514Glu; replaces glycine 514 with glutamic acid.
Molecular consequence: missense variant.
Genome position (GRCh38, 1-based): chr19:34,464,068-34,464,069, GC replaced by AG. VCF-style: chr19-34464068-GC-AG. GRCh37 (hg19) VCF-style: chr19-34954973-GC-AG.
Other names: c.1253_1254delinsAG, p.Gly418Glu (NM_001411139.1); short protein forms G418E, G514E.
Identifiers: ClinVar variation 2571036 (VCV002571036.27), dbSNP rs2513980575, ClinGen allele CA2580613104.

ClinVar aggregate classification (germline): Uncertain significance (1 of 4 stars; one submission).

Submission:

CeGaT Center for Human Genetics Tuebingen
Classification: Uncertain significance. Last evaluated: 2023-03-01. Review status: criteria provided, single submitter. Criteria: CeGaT Center For Human Genetics Tuebingen Variant Classification Criteria Version 2. Collection method: clinical testing. Allele origin: germline. Affected: yes. Observed: 1 variant allele.
Comment: UBA2: PM2